The following is an entry in ClinVar:

ClinVar aggregate classification (germline): Likely benign (1 of 4 stars; one submission).

Submission:

GeneDx
Classification: Likely benign. Last evaluated: 2015-08-27. Review status: criteria provided, single submitter. Criteria: GeneDx Variant Classification (06012015). Collection method: clinical testing. Allele origin: germline. Affected: yes.
Comment: This variant is considered likely benign or benign based on one or more of the following criteria: it is a conservative change, it occurs at a poorly conserved position in the protein, it is predicted to be benign by multiple in silico algorithms, and/or has population frequency not consistent with disease.

NM_015443.4(KANSL1):c.2401C>A (p.His801Asn)

Gene: KANSL1 (KAT8 regulatory NSL complex subunit 1). Cytogenetic location: 17q21.31.
Variant type: single nucleotide variant.
Coding change: c.2401C>A on transcript NM_015443.4 (MANE Select); coding-DNA position 2401, C replaced by A.
Protein change: p.His801Asn; replaces histidine 801 with asparagine.
Molecular consequence: missense variant.
Genome position (GRCh38, 1-based): chr17:46,038,678, G>T on the plus strand (C>A on the coding strand, the complement: KANSL1 is on the minus strand). VCF-style: chr17-46038678-G-T. GRCh37 (hg19) VCF-style: chr17-44116044-G-T.
Other names: c.2401C>A, p.His801Asn (NM_001193465.2, NM_001193466.2, NM_001379198.1); short protein forms H801N.
Identifiers: ClinVar variation 380405 (VCV000380405.1), dbSNP rs1057520851, ClinGen allele CA16607665.